The following is an entry in ClinVar:

ClinVar aggregate classification (germline): Uncertain significance. Review status: criteria provided, multiple submitters, no conflicts (2 of 4 stars). 2 submissions from 2 submitters: Uncertain significance (2). Last evaluated 2026-05-11.

Conditions:
P2RX2-related disorder. Also called: P2RX2-related condition.

Allele frequency attached by ClinVar (database versions not stated): gnomAD 0.00001; gnomAD exomes 0.00001; ExAC 0.00002; TOPMed 0.00002.

Submissions (2):

PreventionGenetics, part of Exact Sciences
Classification: Uncertain significance for P2RX2-related condition. Last evaluated: 2026-05-11. Review status: criteria provided, single submitter. Criteria: ACMG Guidelines, 2015. Collection method: clinical testing. Allele origin: germline.
Comment: The P2RX2 c.479T>C variant is predicted to result in the amino acid substitution p.Val160Ala. To our knowledge, this variant has not been reported in the literature. This variant is reported in 0.024% of alleles in individuals of Latino descent in gnomAD. Although we suspect that this variant may be benign, at this time, the clinical significance of this variant is uncertain due to the absence of conclusive functional and genetic evidence.

Labcorp Genetics (formerly Invitae), Labcorp
Classification: Uncertain significance. Last evaluated: 2024-10-24. Review status: criteria provided, single submitter. Criteria: Invitae Variant Classification Sherloc (09022015). Collection method: clinical testing. Allele origin: germline.
Comment: This sequence change replaces valine, which is neutral and non-polar, with alanine, which is neutral and non-polar, at codon 160 of the P2RX2 protein (p.Val160Ala). This variant is present in population databases (rs781698979, gnomAD 0.02%). This variant has not been reported in the literature in individuals affected with P2RX2-related conditions. Invitae Evidence Modeling of protein sequence and biophysical properties (such as structural, functional, and spatial information, amino acid conservation, physicochemical variation, residue mobility, and thermodynamic stability) indicates that this missense variant is not expected to disrupt P2RX2 protein function with a negative predictive value of 80%. In summary, the available evidence is currently insufficient to determine the role of this variant in disease. Therefore, it has been classified as a Variant of Uncertain Significance.

NM_170682.4(P2RX2):c.479T>C (p.Val160Ala)

Gene: P2RX2 (purinergic receptor P2X 2; plus strand). Cytogenetic location: 12q24.33.
Variant type: single nucleotide variant.
Coding change: c.479T>C on transcript NM_170682.4 (MANE Select); coding-DNA position 479, T replaced by C.
Protein change: p.Val160Ala; replaces valine 160 with alanine.
Molecular consequence: missense variant. On other transcripts: intron variant (1).
Genome position (GRCh38, 1-based): chr12:132,620,021, T>C. VCF-style: chr12-132620021-T-C. GRCh37 (hg19) VCF-style: chr12-133196607-T-C.
Other names: c.479T>C (NM_174873.2); c.479T>C, p.Val160Ala (NM_001282165.2, NM_170683.4, NM_174873.3); c.263T>C, p.Val88Ala (NM_012226.5); c.407T>C, p.Val136Ala (NM_016318.4); c.203T>C, p.Val68Ala (NM_174872.3); c.386-14T>C (NM_001282164.2); short protein forms V136A, V160A, V68A, V88A.
Identifiers: ClinVar variation 3017945 (VCV003017945.4), dbSNP rs781698979, ClinGen allele CA6891521.